The following is an entry in ClinVar:

ClinVar aggregate classification (germline): Uncertain significance (1 of 4 stars; one submission).

Conditions:
ANKRD1-related dilated cardiomyopathy. Identifiers: MedGen CN119551.

gnomAD v4.1: 1 of 1,613,932 alleles (0.000062%); highest among the groups gnomAD compares: African/African-American, 0.0013%; no homozygotes.

Submission:

Labcorp Genetics (formerly Invitae), Labcorp
Classification: Uncertain significance for ANKRD1-related dilated cardiomyopathy. Last evaluated: 2022-03-03. Review status: criteria provided, single submitter. Criteria: Invitae Variant Classification Sherloc (09022015). Collection method: clinical testing. Allele origin: germline.
Comment: In summary, the available evidence is currently insufficient to determine the role of this variant in disease. Therefore, it has been classified as a Variant of Uncertain Significance. Algorithms developed to predict the effect of missense changes on protein structure and function (SIFT, PolyPhen-2, Align-GVGD) all suggest that this variant is likely to be tolerated. This variant has not been reported in the literature in individuals affected with ANKRD1-related conditions. This variant is not present in population databases (gnomAD no frequency). This sequence change replaces phenylalanine, which is neutral and non-polar, with leucine, which is neutral and non-polar, at codon 303 of the ANKRD1 protein (p.Phe303Leu).

NM_014391.3(ANKRD1):c.909C>G (p.Phe303Leu)

Gene: ANKRD1 (ankyrin repeat domain 1; minus strand). Cytogenetic location: 10q23.31.
Variant type: single nucleotide variant.
Coding change: c.909C>G on transcript NM_014391.3 (MANE Select); coding-DNA position 909, C replaced by G.
Protein change: p.Phe303Leu; replaces phenylalanine 303 with leucine.
Molecular consequence: missense variant.
Genome position (GRCh38, 1-based): chr10:90,912,917, G>C on the plus strand (C>G on the coding strand, the complement: ANKRD1 is on the minus strand). VCF-style: chr10-90912917-G-C. GRCh37 (hg19) VCF-style: chr10-92672674-G-C.
Other names: short protein forms F303L.
Identifiers: ClinVar variation 2105935 (VCV002105935.4), dbSNP rs765093690, ClinGen allele CA377547709.